The following is an entry in ClinVar:

NM_020964.3(EPG5):c.3292G>A (p.Gly1098Ser)

Gene: EPG5 (ectopic P-granules 5 autophagy tethering factor; minus strand). Cytogenetic location: 18q21.1.
Variant type: single nucleotide variant.
Coding change: c.3292G>A on transcript NM_020964.3 (MANE Select); coding-DNA position 3292, G replaced by A.
Protein change: p.Gly1098Ser; replaces glycine 1098 with serine.
Molecular consequence: missense variant.
Genome position (GRCh38, 1-based): chr18:45,916,530, C>T on the plus strand (G>A on the coding strand, the complement: EPG5 is on the minus strand). VCF-style: chr18-45916530-C-T. GRCh37 (hg19) VCF-style: chr18-43496495-C-T.
Other names: c.3292G>A, p.Gly1098Ser (LRG_1234t1); short protein forms G1098S.
Identifiers: ClinVar variation 652194 (VCV000652194.7), dbSNP rs1599566046, ClinGen allele CA402343166.
Genomic context (GRCh38, chr18:45,916,530, plus strand): 5'-CCCCATGGCTGGCTCCTGTCAGGTGCTGTGCCACCTTGTGGGTGACCTGTTGTGTGACAC[C>T]CTGAGGGACACCGCTGTCCAAGTGTAGGAACAAGAGGAGATGCGATAAAAACCTGCCAAG-3'
Protein context (NP_066015.2, residues 1088-1108): FLHLDSGVPQ[Gly1098Ser]VTQQVTHKVA

ClinVar aggregate classification (germline): Uncertain significance (1 of 4 stars; one submission).

Conditions:
Vici syndrome (VICIS). Identifiers: Orphanet 1493, MedGen C1855772, MONDO:0009452, OMIM 242840.

Submission:

Labcorp Genetics (formerly Invitae), Labcorp
Classification: Uncertain significance for Vici syndrome. Last evaluated: 2021-08-27. Review status: criteria provided, single submitter. Criteria: Invitae Variant Classification Sherloc (09022015). Collection method: clinical testing. Allele origin: germline.
Comment: This sequence change replaces glycine with serine at codon 1098 of the EPG5 protein (p.Gly1098Ser). The glycine residue is moderately conserved and there is a small physicochemical difference between glycine and serine. This variant is not present in population databases (ExAC no frequency). This variant has not been reported in the literature in individuals affected with EPG5-related conditions. Algorithms developed to predict the effect of missense changes on protein structure and function are either unavailable or do not agree on the potential impact of this missense change (SIFT: "Deleterious"; PolyPhen-2: "Probably Damaging"; Align-GVGD: "Class C0"). In summary, the available evidence is currently insufficient to determine the role of this variant in disease. Therefore, it has been classified as a Variant of Uncertain Significance.